The following is an entry in ClinVar:

ClinVar aggregate classification (germline): Uncertain significance (1 of 4 stars; one submission).

Conditions:
Developmental and epileptic encephalopathy, 11 (DEE11). Also called: Early infantile epileptic encephalopathy 11. Identifiers: Orphanet 1934, MedGen C3150987, MONDO:0013388, OMIM 613721.

Submission:

MGZ Medical Genetics Center
Classification: Uncertain significance for Developmental and epileptic encephalopathy, 11. Last evaluated: 2022-08-26. Review status: criteria provided, single submitter. Criteria: ACMG Guidelines, 2015. Collection method: clinical testing. Allele origin: germline. Affected: yes. Observed: 1 variant allele.
Comment: ACMG criteria applied: PM2_SUP, PP2, PP3

NM_001040142.2(SCN2A):c.2156A>G (p.Glu719Gly)

Gene: SCN2A (sodium voltage-gated channel alpha subunit 2; plus strand). Cytogenetic location: 2q24.3.
Variant type: single nucleotide variant.
Coding change: c.2156A>G on transcript NM_001040142.2 (MANE Select); coding-DNA position 2156, A replaced by G.
Protein change: p.Glu719Gly; replaces glutamic acid 719 with glycine.
Molecular consequence: missense variant.
Genome position (GRCh38, 1-based): chr2:165,331,336, A>G. VCF-style: chr2-165331336-A-G. GRCh37 (hg19) VCF-style: chr2-166187846-A-G.
Other names: c.2156A>G, p.Glu719Gly (NM_001040143.2, NM_001371246.1, NM_001371247.1 and 1 more transcripts); short protein forms E719G.
Identifiers: ClinVar variation 1709771 (VCV001709771.2), dbSNP rs2467961516, ClinGen allele CA349030431.